The following is an entry in ClinVar:

ClinVar aggregate classification (germline): Uncertain significance (1 of 4 stars; one submission).

Conditions:
Hereditary cancer-predisposing syndrome. Also called: Neoplastic Syndromes, Hereditary; Tumor predisposition; Hereditary neoplastic syndrome; Hereditary Cancer Syndrome. Identifiers: Orphanet 140162, MedGen C0027672, MeSH D009386, MONDO:0015356.

Submission:

Ambry Genetics
Classification: Uncertain significance for Hereditary cancer-predisposing syndrome. Last evaluated: 2025-05-21. Review status: criteria provided, single submitter. Criteria: Ambry Variant Classification Scheme 2023. Collection method: clinical testing. Allele origin: germline.
Comment: The p.S957P variant (also known as c.2869T>C), located in coding exon 17 of the ALK gene, results from a T to C substitution at nucleotide position 2869. The serine at codon 957 is replaced by proline, an amino acid with similar properties. This amino acid position is conserved. In addition, this alteration is predicted to be deleterious by in silico analysis. Based on the available evidence, the clinical significance of this variant remains unclear.

NM_004304.5(ALK):c.2869T>C (p.Ser957Pro)

Gene: ALK (ALK receptor tyrosine kinase; minus strand). Cytogenetic location: 2p23.2.
Variant type: single nucleotide variant.
Coding change: c.2869T>C on transcript NM_004304.5 (MANE Select); coding-DNA position 2869, T replaced by C.
Protein change: p.Ser957Pro; replaces serine 957 with proline.
Molecular consequence: missense variant.
Genome position (GRCh38, 1-based): chr2:29,227,619, A>G on the plus strand (T>C on the coding strand, the complement: ALK is on the minus strand). VCF-style: chr2-29227619-A-G. GRCh37 (hg19) VCF-style: chr2-29450485-A-G.
Other names: short protein forms S957P.
Identifiers: ClinVar variation 4040996 (VCV004040996.1).
Genomic context (GRCh38, chr2:29,227,619, plus strand): 5'-TGGCAGAGAAGCTACCTTTTAAAGCTGGGGTGTACAGGATGCCCAGTGGACTGATGAAGG[A>G]AACCCCATCTTCCCCATCCATTTCGGGGTCATTGTTTGAGGCTGCATTGCCGCCTGAGTA-3'
Protein context (NP_004295.2, residues 947-967): DPEMDGEDGV[Ser957Pro]FISPLGILYT